The following is an entry in ClinVar:

ClinVar aggregate classification (germline): Uncertain significance. Review status: criteria provided, multiple submitters, no conflicts (2 of 4 stars). 2 submissions from 2 submitters: Uncertain significance (2). Last evaluated 2026-04-04.

Submissions (2):

Ambry Genetics
Classification: Uncertain significance. Last evaluated: 2026-04-04. Review status: criteria provided, single submitter. Criteria: Ambry Variant Classification Scheme 2023. Collection method: clinical testing. Allele origin: germline.
Comment: The p.S72C variant (also known as c.214A>T), located in coding exon 1 of the ATRIP gene, results from an A to T substitution at nucleotide position 214. The serine at codon 72 is replaced by cysteine, an amino acid with dissimilar properties. This amino acid position is conserved. In addition, this alteration is predicted to be tolerated by in silico analysis. Based on the available evidence, the clinical significance of this variant remains unclear.

Labcorp Genetics (formerly Invitae), Labcorp
Classification: Uncertain significance. Last evaluated: 2025-03-07. Review status: criteria provided, single submitter. Criteria: Invitae Variant Classification Sherloc (09022015). Collection method: clinical testing. Allele origin: germline.
Comment: This sequence change replaces serine, which is neutral and polar, with cysteine, which is neutral and slightly polar, at codon 72 of the ATRIP protein (p.Ser72Cys). This variant is not present in population databases (gnomAD no frequency). This variant has not been reported in the literature in individuals affected with ATRIP-related conditions. An algorithm developed to predict the effect of missense changes on protein structure and function (PolyPhen-2) suggests that this variant is likely to be disruptive. In summary, the available evidence is currently insufficient to determine the role of this variant in disease. Therefore, it has been classified as a Variant of Uncertain Significance.

NM_130384.3(ATRIP):c.214A>T (p.Ser72Cys)

Genes: ATRIP (ATR interacting protein; plus strand), ATRIP-TREX1 (ATRIP-TREX1 readthrough; plus strand). Cytogenetic location: 3p21.31.
Variant type: single nucleotide variant.
Coding change: c.214A>T on transcript NM_130384.3 (MANE Select); coding-DNA position 214, A replaced by T.
Protein change: p.Ser72Cys; replaces serine 72 with cysteine.
Molecular consequence: missense variant. On other transcripts: non-coding transcript variant (1), intron variant (1).
Genome position (GRCh38, 1-based): chr3:48,447,059, A>T. VCF-style: chr3-48447059-A-T. GRCh37 (hg19) VCF-style: chr3-48488463-A-T.
Other names: c.214A>T (NM_130384.1); c.214A>T, p.Ser72Cys (NM_032166.4); c.-218+260A>T (NM_001271022.2); short protein forms S72C.
Identifiers: ClinVar variation 4779359 (VCV004779359.2).